The following is an entry in ClinVar:

ClinVar aggregate classification (germline): Uncertain significance (1 of 4 stars; one submission).

Conditions:
Hereditary cancer-predisposing syndrome. Also called: Neoplastic Syndromes, Hereditary; Tumor predisposition; Hereditary neoplastic syndrome; Hereditary Cancer Syndrome. Identifiers: Orphanet 140162, MedGen C0027672, MeSH D009386, MONDO:0015356.

Submission:

Ambry Genetics
Classification: Uncertain significance for Hereditary cancer-predisposing syndrome. Last evaluated: 2026-09-08. Review status: criteria provided, single submitter. Criteria: Ambry Variant Classification Scheme 2023. Collection method: clinical testing. Allele origin: germline.
Comment: The p.S1254I variant (also known as c.3761G>T), located in coding exon 18 of the MET gene, results from a G to T substitution at nucleotide position 3761. The serine at codon 1254 is replaced by isoleucine, an amino acid with dissimilar properties. This amino acid position is conserved. In addition, this alteration is predicted to be deleterious by in silico analysis. Based on the available evidence, the clinical significance of this variant remains unclear.

NM_000245.4(MET):c.3707G>T (p.Ser1236Ile)

Gene: MET (MET proto-oncogene, receptor tyrosine kinase; plus strand). Cytogenetic location: 7q31.2.
Variant type: single nucleotide variant.
Coding change: c.3707G>T on transcript NM_000245.4 (MANE Select); coding-DNA position 3707, G replaced by T.
Protein change: p.Ser1236Ile; replaces serine 1236 with isoleucine.
Molecular consequence: missense variant.
Genome position (GRCh38, 1-based): chr7:116,783,378, G>T. VCF-style: chr7-116783378-G-T. GRCh37 (hg19) VCF-style: chr7-116423432-G-T.
Other names: c.3761G>T, p.Ser1254Ile (NM_001127500.3); c.2417G>T, p.Ser806Ile (NM_001324402.2); short protein forms S1254I, S806I, S1236I.
Identifiers: ClinVar variation 5024436 (VCV005024436.1).